The following is an entry in ClinVar:

NM_025243.4(SLC19A3):c.58T>C (p.Cys20Arg)

Gene: SLC19A3 (solute carrier family 19 member 3; minus strand). Cytogenetic location: 2q36.3.
Variant type: single nucleotide variant.
Coding change: c.58T>C on transcript NM_025243.4 (MANE Select); coding-DNA position 58, T replaced by C.
Protein change: p.Cys20Arg; replaces cysteine 20 with arginine.
Molecular consequence: missense variant. On other transcripts: 5 prime UTR variant (2).
Genome position (GRCh38, 1-based): chr2:227,702,261, A>G on the plus strand (T>C on the coding strand, the complement: SLC19A3 is on the minus strand). VCF-style: chr2-227702261-A-G. GRCh37 (hg19) VCF-style: chr2-228566977-A-G.
Other names: c.58T>C, p.Cys20Arg (NM_001371411.1, NM_001371412.1); c.-151T>C (NM_001371413.1, NM_001371414.1); short protein forms C20R.
Identifiers: ClinVar variation 5004609 (VCV005004609.1).

ClinVar aggregate classification (germline): Uncertain significance (1 of 4 stars; one submission).

Conditions:
Biotin-responsive basal ganglia disease (BTBGD). Also called: Thiamine Transporter-2 Deficiency; Thiamine metabolism dysfunction syndrome 2 (biotin- or thiamine-responsive encephalopathy type 2); thiamine-responsive encephalopathy; Thiamine metabolism dysfunction syndrome type 2; THIAMINE METABOLISM DYSFUNCTION SYNDROME 2 (BIOTIN- AND THIAMINE-RESPONSIVE TYPE). Identifiers: Orphanet 199348, Orphanet 65284, MedGen C1843807, MONDO:0011841, OMIM 607483.

Submission:

Myriad Genetics, Inc.
Classification: Uncertain significance for Biotin-responsive basal ganglia disease. Last evaluated: 2026-04-21. Review status: criteria provided, single submitter. Criteria: Myriad Autosomal Dominant, Autosomal Recessive and X-Linked Classification Criteria (2023). Collection method: clinical testing. Allele origin: unknown.
Comment: NM_025243.3(SLC19A3):c.58T>C(C20R) is a missense variant classified as a variant of uncertain significance in the context of biotin-thiamine-responsive basal ganglia disease. C20R has been observed in a case with relevant disease (PMID: 35775132). Relevant functional assessments of this variant are not available in the literature. C20R has not been observed in referenced population frequency databases. In summary, there is insufficient evidence to classify NM_025243.3(SLC19A3):c.58T>C(C20R) as pathogenic or benign. Please note: this variant was assessed in the context of healthy population screening.

Literature cited by the submitters: PubMed 35775132.